The following is an entry in ClinVar:

NM_198503.5(KCNT2):c.3119G>T (p.Arg1040Leu)

Gene: KCNT2 (potassium sodium-activated channel subfamily T member 2; minus strand). Cytogenetic location: 1q31.3.
Variant type: single nucleotide variant.
Coding change: c.3119G>T on transcript NM_198503.5 (MANE Select); coding-DNA position 3119, G replaced by T.
Protein change: p.Arg1040Leu; replaces arginine 1040 with leucine.
Molecular consequence: missense variant. On other transcripts: non-coding transcript variant (2).
Genome position (GRCh38, 1-based): chr1:196,258,286, C>A on the plus strand (G>T on the coding strand, the complement: KCNT2 is on the minus strand). VCF-style: chr1-196258286-C-A. GRCh37 (hg19) VCF-style: chr1-196227416-C-A.
Other names: c.3047G>T, p.Arg1016Leu (NM_001287819.3); c.2918G>T, p.Arg973Leu (NM_001287820.3); short protein forms R1016L, R1040L, R973L.
Identifiers: ClinVar variation 1236194 (VCV001236194.1), dbSNP rs1454847660, ClinGen allele CA343974577.

ClinVar aggregate classification (germline): Likely benign (0 of 4 stars; one submission).

Conditions:
Seizure. Also called: Seizures. Identifiers: MedGen C0036572, HP:0001250.
Neurodevelopmental delay. Identifiers: MedGen C4022738, HP:0012758.

Allele frequency attached by ClinVar (database versions not stated): gnomAD 0.00001; TOPMed 0.00001.
gnomAD v4.1: 4 of 1,613,910 alleles (0.00025%); highest among the groups gnomAD compares: Admixed American, 0.0017%; no homozygotes.

Submission:

Cytogénomique, Hospices Civils de Lyon
Classification: Likely benign for Neurodevelopmental delay; Seizure. Review status: no assertion criteria provided. Collection method: clinical testing. Allele origin: paternal. Inheritance: Autosomal dominant inheritance. Affected: yes.